The following is an entry in ClinVar:

NM_001267550.2(TTN):c.91304C>T (p.Thr30435Ile)

Genes: TTN (titin; minus strand), TTN-AS1 (TTN antisense RNA 1; plus strand). Cytogenetic location: 2q31.2.
Variant type: single nucleotide variant.
Coding change: c.91304C>T on transcript NM_001267550.2 (MANE Select); coding-DNA position 91304, C replaced by T.
Protein change: p.Thr30435Ile; replaces threonine 30435 with isoleucine.
Molecular consequence: missense variant.
Genome position (GRCh38, 1-based): chr2:178,551,227, G>A on the plus strand (C>T on the coding strand, the complement: TTN is on the minus strand). VCF-style: chr2-178551227-G-A. GRCh37 (hg19) VCF-style: chr2-179415954-G-A.
Other names: c.86381C>T, p.Thr28794Ile (NM_001256850.1); c.64109C>T, p.Thr21370Ile (NM_003319.4); c.83600C>T, p.Thr27867Ile (NM_133378.4); c.64484C>T, p.Thr21495Ile (NM_133432.3); c.64685C>T, p.Thr21562Ile (NM_133437.4); short protein forms T30435I, T21370I, T28794I, T21562I, T27867I, T21495I.
Identifiers: ClinVar variation 405182 (VCV000405182.6), dbSNP rs1060500591, ClinGen allele CA16610340.
Genomic context (GRCh38, chr2:178,551,227, plus strand): 5'-ACAATCTTACTGCCTCCATCACGCAATGGTGGGTTCCATTTAAGTGTGATGGTTTCCCGG[G>A]TGACATCAATGTAGTCAGGAGTGCCAGGTGGGTCTAAAAAATTATAAGGAAGGTAAATGC-3'
Protein context (NP_001254479.2, residues 30425-30445): PPGTPDYIDV[Thr30435Ile]RETITLKWNP

ClinVar aggregate classification (germline): Uncertain significance. Review status: criteria provided, multiple submitters, no conflicts (2 of 4 stars). 3 submissions from 3 submitters: Uncertain significance (3). Last evaluated 2020-03-23.

Conditions:
Cardiovascular phenotype. Identifiers: MedGen CN230736.
Autosomal recessive limb-girdle muscular dystrophy type 2J (LGMDR10). Also called: MUSCULAR DYSTROPHY, LIMB-GIRDLE, AUTOSOMAL RECESSIVE 10; Limb-girdle muscular dystrophy, type 2J. Identifiers: Orphanet 140922, MedGen C1837342, MONDO:0012127, OMIM 608807.
Dilated cardiomyopathy 1G (CMD1G). Identifiers: Orphanet 154, MedGen C1858763, MONDO:0011400, OMIM 604145.
Myopathy, myofibrillar, 9, with early respiratory failure (MFM9). Also called: Myopathy, distal, with early respiratory failure, autosomal dominant; Hereditary myopathy with early respiratory failure; EDSTROM MYOPATHY; MYOPATHY, PROXIMAL, WITH EARLY RESPIRATORY MUSCLE INVOLVEMENT. Identifiers: Orphanet 178464, Orphanet 34521, MedGen C1863599, MONDO:0011362, OMIM 603689.
Tibial muscular dystrophy (TMD). Also called: UDD MYOPATHY; Tibial muscular dystrophy, tardive; Udd Distal Myopathy – Tibial Muscular Dystrophy. Identifiers: Orphanet 609, MedGen C1838244, MONDO:0010870, OMIM 600334.
Early-onset myopathy with fatal cardiomyopathy (CMYO5). Also called: Salih Myopathy; CONGENITAL MYOPATHY 5 WITH CARDIOMYOPATHY. Identifiers: Orphanet 289377, MedGen C2673677, MONDO:0012714, OMIM 611705. Disease mechanism: loss of function.
Hypertrophic cardiomyopathy 9. Also called: Familial hypertrophic cardiomyopathy 9. Identifiers: MedGen C1861065, MONDO:0013412, OMIM 613765.

Allele frequency attached by ClinVar (database versions not stated): gnomAD exomes below 0.00001 and 0.00007; gnomAD 0.00002; TOPMed 0.00002.
gnomAD v4.1: 100 of 1,613,088 alleles (0.0062%); highest among the groups gnomAD compares: Non-Finnish European, 0.0084%; no homozygotes.

Submissions (3):

Ambry Genetics
Classification: Uncertain significance for Cardiovascular phenotype. Last evaluated: 2020-03-23. Review status: criteria provided, single submitter. Criteria: Ambry Variant Classification Scheme 2023. Collection method: clinical testing. Allele origin: germline.
Comment: The p.T21370I variant (also known as c.64109C>T), located in coding exon 163 of the TTN gene, results from a C to T substitution at nucleotide position 64109. The threonine at codon 21370 is replaced by isoleucine, an amino acid with similar properties. This amino acid position is highly conserved in available vertebrate species. In addition, the in silico prediction for this alteration is inconclusive. Since supporting evidence is limited at this time, the clinical significance of this alteration remains unclear.

Fulgent Genetics
Classification: Uncertain significance for Tibial muscular dystrophy; Myopathy, myofibrillar, 9, with early respiratory failure; Dilated cardiomyopathy 1G; Autosomal recessive limb-girdle muscular dystrophy type 2J; Early-onset myopathy with fatal cardiomyopathy; Hypertrophic cardiomyopathy 9. Last evaluated: 2018-10-31. Review status: criteria provided, single submitter. Criteria: ACMG Guidelines, 2015. Collection method: clinical testing. Allele origin: unknown.

Labcorp Genetics (formerly Invitae), Labcorp
Classification: Uncertain significance for Dilated cardiomyopathy 1G; Autosomal recessive limb-girdle muscular dystrophy type 2J. Last evaluated: 2016-06-11. Review status: criteria provided, single submitter. Criteria: Invitae Variant Classification Sherloc (09022015). Collection method: clinical testing. Allele origin: germline.